The following is an entry in ClinVar:

ClinVar aggregate classification (germline): Uncertain significance. Review status: criteria provided, multiple submitters, no conflicts (2 of 4 stars). 2 submissions from 2 submitters: Uncertain significance (2). Last evaluated 2023-06-21.

Conditions:
Myopathy, myofibrillar, 9, with early respiratory failure (MFM9). Also called: Hereditary myopathy with early respiratory failure; EDSTROM MYOPATHY; MYOPATHY, PROXIMAL, WITH EARLY RESPIRATORY MUSCLE INVOLVEMENT; Myopathy, distal, with early respiratory failure, autosomal dominant. Identifiers: Orphanet 178464, Orphanet 34521, MedGen C1863599, MONDO:0011362, OMIM 603689.
Early-onset myopathy with fatal cardiomyopathy (CMYO5). Also called: Salih Myopathy; CONGENITAL MYOPATHY 5 WITH CARDIOMYOPATHY. Identifiers: Orphanet 289377, MedGen C2673677, MONDO:0012714, OMIM 611705. Disease mechanism: loss of function.
Dilated cardiomyopathy 1G (CMD1G). Identifiers: Orphanet 154, MedGen C1858763, MONDO:0011400, OMIM 604145.
Hypertrophic cardiomyopathy 9. Also called: Familial hypertrophic cardiomyopathy 9. Identifiers: MedGen C1861065, MONDO:0013412, OMIM 613765.
Autosomal recessive limb-girdle muscular dystrophy type 2J (LGMDR10). Also called: Limb-girdle muscular dystrophy, type 2J; MUSCULAR DYSTROPHY, LIMB-GIRDLE, AUTOSOMAL RECESSIVE 10. Identifiers: Orphanet 140922, MedGen C1837342, MONDO:0012127, OMIM 608807.
Tibial muscular dystrophy (TMD). Also called: Tibial muscular dystrophy, tardive; UDD MYOPATHY; Udd Distal Myopathy – Tibial Muscular Dystrophy. Identifiers: Orphanet 609, MedGen C1838244, MONDO:0010870, OMIM 600334.

Allele frequency attached by ClinVar (database versions not stated): gnomAD exomes below 0.00001; gnomAD 0.00001; ExAC 0.00002; TOPMed 0.00002; 1000 Genomes Project 30x 0.00031.
gnomAD v4.1: 8 of 1,609,486 alleles (0.0005%); highest among the groups gnomAD compares: East Asian, 0.011%; no homozygotes.

Submissions (2):

Revvity Omics, Revvity
Classification: Uncertain significance. Last evaluated: 2023-06-21. Review status: criteria provided, single submitter. Criteria: ACMG Guidelines, 2015. Collection method: clinical testing. Allele origin: germline.

Juno Genomics, Hangzhou Juno Genomics, Inc
Classification: Uncertain significance for Hypertrophic cardiomyopathy 9; Myopathy, myofibrillar, 9, with early respiratory failure; Tibial muscular dystrophy; Early-onset myopathy with fatal cardiomyopathy; Dilated cardiomyopathy 1G; Autosomal recessive limb-girdle muscular dystrophy type 2J. Review status: criteria provided, single submitter. Criteria: ACMG Guidelines, 2015. Collection method: clinical testing. Allele origin: germline.
Comment: Absent from controls (or at extremely low frequency if recessive) in Genome Aggregation Database.;Missense variant in a gene that has a low rate of benign missense variation.;Multiple lines of computational evidence suggest no impact on gene or gene product.

NM_001267550.2(TTN):c.55384A>C (p.Lys18462Gln)

Genes: TTN (titin; minus strand), TTN-AS1 (TTN antisense RNA 1; plus strand). Cytogenetic location: 2q31.2.
Variant type: single nucleotide variant.
Coding change: c.55384A>C on transcript NM_001267550.2 (MANE Select); coding-DNA position 55384, A replaced by C.
Protein change: p.Lys18462Gln; replaces lysine 18462 with glutamine.
Molecular consequence: missense variant.
Genome position (GRCh38, 1-based): chr2:178,601,706, T>G on the plus strand (A>C on the coding strand, the complement: TTN is on the minus strand). VCF-style: chr2-178601706-T-G. GRCh37 (hg19) VCF-style: chr2-179466433-T-G.
Other names: c.50461A>C, p.Lys16821Gln (NM_001256850.1); c.28189A>C, p.Lys9397Gln (NM_003319.4); c.47680A>C, p.Lys15894Gln (NM_133378.4); c.28564A>C, p.Lys9522Gln (NM_133432.3); c.28765A>C, p.Lys9589Gln (NM_133437.4); short protein forms K15894Q, K16821Q, K18462Q, K9397Q, K9522Q, K9589Q.
Identifiers: ClinVar variation 2690365 (VCV002690365.4), dbSNP rs747050691, ClinGen allele CA1993462.